The following is an entry in ClinVar:

ClinVar aggregate classification (germline): Uncertain significance. Review status: criteria provided, multiple submitters, no conflicts (2 of 4 stars). 2 submissions from 2 submitters: Uncertain significance (2). Last evaluated 2025-01-19.

Conditions:
Hereditary cancer-predisposing syndrome. Also called: Neoplastic Syndromes, Hereditary; Hereditary Cancer Syndrome; Tumor predisposition; Hereditary neoplastic syndrome. Identifiers: Orphanet 140162, MedGen C0027672, MeSH D009386, MONDO:0015356.
Ataxia-telangiectasia syndrome (AT). Also called: Ataxia-telangiectasia, complementation group D; AT, COMPLEMENTATION GROUP C; Ataxia-telangiectasia, complementation group E; Cerebello-oculocutaneous telangiectasia; Immunodeficiency with ataxia telangiectasia; ATAXIA-TELANGIECTASIA, COMPLEMENTATION GROUP A. Identifiers: Orphanet 100, MedGen C0004135, MONDO:0008840, OMIM 208900.

Allele frequency attached by ClinVar (database versions not stated): gnomAD exomes 0.00001.
gnomAD v4.1: 12 of 1,614,192 alleles (0.00074%); highest among the groups gnomAD compares: East Asian, 0.016%; no homozygotes.

Submissions (2):

Labcorp Genetics (formerly Invitae), Labcorp
Classification: Uncertain significance for Ataxia-telangiectasia syndrome. Last evaluated: 2025-01-19. Review status: criteria provided, single submitter. Criteria: Invitae Variant Classification Sherloc (09022015). Collection method: clinical testing. Allele origin: germline.
Comment: This sequence change replaces isoleucine, which is neutral and non-polar, with threonine, which is neutral and polar, at codon 490 of the ATM protein (p.Ile490Thr). This variant is not present in population databases (gnomAD no frequency). This variant has not been reported in the literature in individuals affected with ATM-related conditions. ClinVar contains an entry for this variant (Variation ID: 582045). Invitae Evidence Modeling of protein sequence and biophysical properties (such as structural, functional, and spatial information, amino acid conservation, physicochemical variation, residue mobility, and thermodynamic stability) indicates that this missense variant is not expected to disrupt ATM protein function with a negative predictive value of 95%. In summary, the available evidence is currently insufficient to determine the role of this variant in disease. Therefore, it has been classified as a Variant of Uncertain Significance.

Ambry Genetics
Classification: Uncertain significance for Hereditary cancer-predisposing syndrome. Last evaluated: 2023-11-29. Review status: criteria provided, single submitter. Criteria: Ambry Variant Classification Scheme 2023. Collection method: clinical testing. Allele origin: germline.
Comment: The p.I490T variant (also known as c.1469T>C), located in coding exon 9 of the ATM gene, results from a T to C substitution at nucleotide position 1469. The isoleucine at codon 490 is replaced by threonine, an amino acid with similar properties. In various Japanese case-control studies, this variant has been reported in breast, prostate, and colon cancer patients as well as in controls (Momozawa Y et al. Nat Commun, 2018 10;9:4083; Momozawa Y et al. J Natl Cancer Inst, 2020 Apr;112:369-376; Fujita M et al. Clin Gastroenterol Hepatol, 2022 Sep;20:2132-2141.e9). This alteration was absent in 1229 Japanese patients with biliary tract cancer but present at a frequency of 0.056% in controls (Okawa Y et al. J Hepatol, 2023 Feb;78:333-342). This amino acid position is not well conserved in available vertebrate species. In addition, this alteration is predicted to be tolerated by in silico analysis. Since supporting evidence is limited at this time, the clinical significance of this alteration remains unclear.

Literature cited by the submitters: PubMed 30287823 (cited by Ambry Genetics); PubMed 31214711 (cited by Ambry Genetics); PubMed 33309985 (cited by Ambry Genetics); PubMed 36243179 (cited by Ambry Genetics).

NM_000051.4(ATM):c.1469T>C (p.Ile490Thr)

Gene: ATM (ATM serine/threonine kinase; plus strand). Cytogenetic location: 11q22.3.
Variant type: single nucleotide variant.
Coding change: c.1469T>C on transcript NM_000051.4 (MANE Select); coding-DNA position 1469, T replaced by C.
Protein change: p.Ile490Thr; replaces isoleucine 490 with threonine.
Molecular consequence: missense variant.
Genome position (GRCh38, 1-based): chr11:108,250,934, T>C. VCF-style: chr11-108250934-T-C. GRCh37 (hg19) VCF-style: chr11-108121661-T-C.
Other names: c.1469T>C, p.Ile490Thr (NM_001351834.2); short protein forms I490T.
Identifiers: ClinVar variation 582045 (VCV000582045.15), dbSNP rs1565383172, ClinGen allele CA382534163.